The following is an entry in ClinVar:

NM_001035.3(RYR2):c.7304T>G (p.Val2435Gly)

Gene: RYR2 (ryanodine receptor 2; plus strand). Cytogenetic location: 1q43.
Variant type: single nucleotide variant.
Coding change: c.7304T>G on transcript NM_001035.3 (MANE Select); coding-DNA position 7304, T replaced by G.
Protein change: p.Val2435Gly; replaces valine 2435 with glycine.
Molecular consequence: missense variant.
Genome position (GRCh38, 1-based): chr1:237,643,409, T>G. VCF-style: chr1-237643409-T-G. GRCh37 (hg19) VCF-style: chr1-237806709-T-G.
Other names: short protein forms V2435G.
Identifiers: ClinVar variation 3385778 (VCV003385778.1).
Genomic context (GRCh38, chr1:237,643,409, plus strand): 5'-AAGCCATCAGAATTAGGTCCATTTTGAGATCCCTCATTCCCCTGGGAGATTTGGTGGGCG[T>G]TATCAGCATCGCTTTTCAGATGCCAACAATAGCCAAAGGTAAGGCCAACTTCAATTTGTC-3'
Protein context (NP_001026.2, residues 2425-2445): SLIPLGDLVG[Val2435Gly]ISIAFQMPTI

ClinVar aggregate classification (germline): Uncertain significance (1 of 4 stars; one submission).

Conditions:
Catecholaminergic polymorphic ventricular tachycardia (CVPT). Also called: Catecholamine-induced polymorphic ventricular tachycardia. Identifiers: Orphanet 3286, MedGen C5574922, MONDO:0017990.

Submission:

All of Us Research Program, National Institutes of Health
Classification: Uncertain significance for Catecholaminergic polymorphic ventricular tachycardia. Last evaluated: 2024-05-09. Review status: criteria provided, single submitter. Criteria: ACMG Guidelines, 2015. Collection method: clinical testing. Allele origin: germline. Inheritance: Autosomal dominant inheritance. Observed: 1 variant allele, 1 heterozygote.
Comment: This study involves interpretation of variants in research participants for the purpose of population health screening. Participant phenotype was not available at the time of variant classification. Additional details can be found in publication PMID: 35346344, PMCID: PMC8962531